The following is an entry in ClinVar:

ClinVar aggregate classification (germline): Uncertain significance. Review status: criteria provided, multiple submitters, no conflicts (2 of 4 stars). 2 submissions from 2 submitters: Uncertain significance (2). Last evaluated 2026-06-05.

Conditions:
Cardiovascular phenotype. Identifiers: MedGen CN230736.

Allele frequency attached by ClinVar (database versions not stated): gnomAD exomes below 0.00001.
gnomAD v4.1: 1 of 1,613,960 alleles (0.000062%); highest among the groups gnomAD compares: Non-Finnish European, 0.000085%; no homozygotes.

Submissions (2):

Women's Health and Genetics/Laboratory Corporation of America, LabCorp
Classification: Uncertain significance. Last evaluated: 2026-06-05. Review status: criteria provided, single submitter. Criteria: LabCorp Variant Classification Summary - May 2015. Collection method: clinical testing. Allele origin: germline.

Ambry Genetics
Classification: Uncertain significance for Cardiovascular phenotype. Last evaluated: 2024-02-04. Review status: criteria provided, single submitter. Criteria: Ambry Variant Classification Scheme 2023. Collection method: clinical testing. Allele origin: germline.
Comment: The p.S1722N variant (also known as c.5165G>A), located in coding exon 38 of the ANK2 gene, results from a G to A substitution at nucleotide position 5165. The serine at codon 1722 is replaced by asparagine, an amino acid with highly similar properties. This amino acid position is conserved. In addition, this alteration is predicted to be tolerated by in silico analysis. Based on the available evidence, the clinical significance of this alteration remains unclear.

NM_001148.6(ANK2):c.5165G>A (p.Ser1722Asn)

Genes: ANK2 (ankyrin 2; plus strand), LOC126807136 (MED14-independent group 3 enhancer GRCh37_chr4:114274931-114276130; plus strand). Cytogenetic location: 4q26.
Variant type: single nucleotide variant.
Coding change: c.5165G>A on transcript NM_001148.6 (MANE Select); coding-DNA position 5165, G replaced by A.
Protein change: p.Ser1722Asn; replaces serine 1722 with asparagine.
Molecular consequence: missense variant. On other transcripts: intron variant (68).
Genome position (GRCh38, 1-based): chr4:113,353,783, G>A. VCF-style: chr4-113353783-G-A. GRCh37 (hg19) VCF-style: chr4-114274939-G-A.
Other names: c.4363+3534G>A (NM_001386143.1, NM_001354243.2, NM_001354255.2); c.4264+3534G>A (NM_001354262.2, NM_001354275.2, NM_001354245.2); c.4201+3534G>A (NM_001354253.2, NM_001354270.2); c.4165+3534G>A (NM_001354257.2, NM_001386156.1); c.4240+3534G>A (NM_001354249.2, NM_001354266.2, NM_001354276.2 and 2 more transcripts); c.4207+3534G>A (NM_001386146.1, NM_001386150.1, NM_001386149.1 and 1 more transcripts); c.4192+3534G>A (NM_001354274.2, NM_001386154.1); c.4141+3534G>A (NM_001386151.1, NM_001354260.2, NM_001354271.2); and 35 more; short protein forms S1644N, S1722N, S1761N, S1769N, S522N.
Identifiers: ClinVar variation 3220982 (VCV003220982.2), dbSNP rs2505306830, ClinGen allele CA357918260.